The following is an entry in ClinVar:

ClinVar aggregate classification (germline): Uncertain significance. Review status: criteria provided, multiple submitters, no conflicts (2 of 4 stars). 2 submissions from 2 submitters: Uncertain significance (2). Last evaluated 2024-12-10.

Conditions:
Inborn genetic diseases. Identifiers: MedGen C0950123, MeSH D030342.

Allele frequency attached by ClinVar (database versions not stated): TOPMed 0.00003; ExAC 0.00015.
gnomAD v4.1: 42 of 1,558,110 alleles (0.0027%); highest among the groups gnomAD compares: Admixed American, 0.0038%; no homozygotes.

Submissions (2):

Ambry Genetics
Classification: Uncertain significance for Inborn genetic diseases. Last evaluated: 2024-12-10. Review status: criteria provided, single submitter. Criteria: Ambry Variant Classification Scheme 2023. Collection method: clinical testing. Allele origin: germline.

Labcorp Genetics (formerly Invitae), Labcorp
Classification: Uncertain significance. Last evaluated: 2024-09-28. Review status: criteria provided, single submitter. Criteria: Invitae Variant Classification Sherloc (09022015). Collection method: clinical testing. Allele origin: germline.
Comment: This sequence change replaces alanine, which is neutral and non-polar, with threonine, which is neutral and polar, at codon 775 of the COL18A1 protein (p.Ala775Thr). This variant is present in population databases (rs763734805, gnomAD 0.008%). This variant has not been reported in the literature in individuals affected with COL18A1-related conditions. ClinVar contains an entry for this variant (Variation ID: 1042376). Experimental studies and prediction algorithms are not available or were not evaluated, and the functional significance of this variant is currently unknown. In summary, the available evidence is currently insufficient to determine the role of this variant in disease. Therefore, it has been classified as a Variant of Uncertain Significance.

NM_001379500.1(COL18A1):c.2323G>A (p.Ala775Thr)

Gene: COL18A1 (collagen type XVIII alpha 1 chain; plus strand). Cytogenetic location: 21q22.3.
Variant type: single nucleotide variant.
Coding change: c.2323G>A on transcript NM_001379500.1 (MANE Select); coding-DNA position 2323, G replaced by A.
Protein change: p.Ala775Thr; replaces alanine 775 with threonine.
Molecular consequence: missense variant.
Genome position (GRCh38, 1-based): chr21:45,493,546, G>A. VCF-style: chr21-45493546-G-A. GRCh37 (hg19) VCF-style: chr21-46913460-G-A.
Other names: NM_130445.2:c.2323G>A; c.2863G>A, p.Ala955Thr (NM_030582.4); c.3568G>A, p.Ala1190Thr (NM_130444.3); short protein forms A775T, A1190T, A955T.
Identifiers: ClinVar variation 1042376 (VCV001042376.6), dbSNP rs763734805, ClinGen allele CA10066987.